The following is an entry in ClinVar:

NM_001165963.4(SCN1A):c.5152T>A (p.Phe1718Ile)

Genes: SCN1A (sodium voltage-gated channel alpha subunit 1; minus strand), LOC102724058 (uncharacterized LOC102724058; plus strand). Cytogenetic location: 2q24.3.
Variant type: single nucleotide variant.
Coding change: c.5152T>A on transcript NM_001165963.4 (MANE Select); coding-DNA position 5152, T replaced by A.
Protein change: p.Phe1718Ile; replaces phenylalanine 1718 with isoleucine.
Molecular consequence: missense variant. On other transcripts: non-coding transcript variant (1).
Genome position (GRCh38, 1-based): chr2:165,992,123, A>T on the plus strand (T>A on the coding strand, the complement: SCN1A is on the minus strand). VCF-style: chr2-165992123-A-T. GRCh37 (hg19) VCF-style: chr2-166848633-A-T.
Other names: c.5068T>A, p.Phe1690Ile (NM_001165964.3, NM_001353957.2, NM_001353958.2); c.5152T>A, p.Phe1718Ile (NM_001202435.3, NM_001353948.2); c.5119T>A, p.Phe1707Ile (NM_001353949.2, NM_001353950.2, NM_001353951.2 and 2 more transcripts); c.5116T>A, p.Phe1706Ile (NM_001353954.2, NM_001353955.2); c.5065T>A, p.Phe1689Ile (NM_001353960.2); c.2710T>A, p.Phe904Ile (NM_001353961.2); short protein forms F904I, F1690I, F1707I, F1718I, F1689I, F1706I.
Identifiers: ClinVar variation 4630309 (VCV004630309.2).

ClinVar aggregate classification (germline): Uncertain significance. Review status: criteria provided, multiple submitters, no conflicts (2 of 4 stars). 2 submissions from 2 submitters: Uncertain significance (2). Last evaluated 2025-10-28.

Conditions:
Inborn genetic diseases. Identifiers: MedGen C0950123, MeSH D030342.
Early-infantile DEE. Also called: Early infantile epileptic encephalopathy; Early infantile epileptic encephalopathy with suppression bursts; Ohtahara syndrome. Identifiers: Orphanet 1934, MedGen C0393706, MONDO:0800491.

Submissions (2):

Ambry Genetics
Classification: Uncertain significance for Inborn genetic diseases. Last evaluated: 2025-10-28. Review status: criteria provided, single submitter. Criteria: Ambry Variant Classification Scheme 2023. Collection method: clinical testing. Allele origin: germline.
Comment: The c.5152T>A (p.F1718I) alteration is located in exon 26 (coding exon 26) of the SCN1A gene. This alteration results from a T to A substitution at nucleotide position 5152, causing the phenylalanine (F) at amino acid position 1718 to be replaced by an isoleucine (I). This variant was not reported in population-based cohorts in the Genome Aggregation Database (gnomAD). This amino acid position is highly conserved in available vertebrate species. This missense alteration is located in a region that has a low rate of benign missense variation (Lek, 2016; Firth, 2009). This alteration is predicted to be deleterious by in silico analysis. Based on insufficient or conflicting evidence, the clinical significance of this alteration remains unclear.

Labcorp Genetics (formerly Invitae), Labcorp
Classification: Uncertain significance for Early-infantile DEE. Last evaluated: 2025-08-30. Review status: criteria provided, single submitter. Criteria: Invitae Variant Classification Sherloc (09022015). Collection method: clinical testing. Allele origin: germline.
Comment: This sequence change replaces phenylalanine, which is neutral and non-polar, with isoleucine, which is neutral and non-polar, at codon 1718 of the SCN1A protein (p.Phe1718Ile). This variant is not present in population databases (gnomAD no frequency). This variant has not been reported in the literature in individuals affected with SCN1A-related conditions. Invitae Evidence Modeling of protein sequence and biophysical properties (such as structural, functional, and spatial information, amino acid conservation, physicochemical variation, residue mobility, and thermodynamic stability) indicates that this missense variant is expected to disrupt SCN1A protein function with a positive predictive value of 95%. In summary, the available evidence is currently insufficient to determine the role of this variant in disease. Therefore, it has been classified as a Variant of Uncertain Significance.